The following is an entry in ClinVar:

ClinVar aggregate classification (germline): Likely pathogenic. Review status: criteria provided, multiple submitters, no conflicts (2 of 4 stars). 2 submissions from 2 submitters: Likely pathogenic (2). Last evaluated 2023-09-08.

Conditions:
Joubert syndrome 6 (JBTS6). Identifiers: Orphanet 475, MedGen C1853153, MONDO:0012539, OMIM 610688.

Allele frequency attached by ClinVar (database versions not stated): gnomAD exomes below 0.00001.
gnomAD v4.1: 1 of 1,608,960 alleles (0.000062%); highest among the groups gnomAD compares: East Asian, 0.0022%; no homozygotes.

Submissions (2):

GeneDx
Classification: Likely pathogenic. Last evaluated: 2023-09-08. Review status: criteria provided, single submitter. Criteria: GeneDx Variant Classification Process June 2021. Collection method: clinical testing. Allele origin: germline. Affected: yes.
Comment: Non-canonical splice site variant demonstrated to result in loss of function (Bui et al., 2020); Not observed at significant frequency in large population cohorts (gnomAD); This variant is associated with the following publications: (PMID: 32000717)

Cancer Diagnostics Division, Gene Solutions
Classification: Likely pathogenic for Joubert syndrome 6. Last evaluated: 2019-07-22. Review status: criteria provided, single submitter. Criteria: ACMG Guidelines, 2015. Collection method: research. Allele origin: germline. Affected: no and yes. Observed: 1 heterozygote, 2 compound heterozygotes. Clinical features observed: Developmental delay in ultrasound, hypoplasia of vermis, polycystic kidney, Mental delay, classic molar tooth of Joubert syndrome in MRI.
Comment: Carriers of this mutation and another mutation in TMEM67 (as compound heterozygote) develop classic Joubert syndrome at young age (first child) and even at prenatal stage (second child).

NM_153704.6(TMEM67):c.313-3T>G

Gene: TMEM67 (transmembrane protein 67; plus strand). Cytogenetic location: 8q22.1.
Variant type: single nucleotide variant.
Coding change: c.313-3T>G on transcript NM_153704.6 (MANE Select); 3 bases into the intron before coding-DNA position 313, T replaced by G.
Molecular consequence: intron variant.
Genome position (GRCh38, 1-based): chr8:93,758,480, T>G. VCF-style: chr8-93758480-T-G. GRCh37 (hg19) VCF-style: chr8-94770708-T-G.
Other names: c.-61-7T>G (NM_001142301.1).
Identifiers: ClinVar variation 692261 (VCV000692261.2), dbSNP rs1586336362, ClinGen allele CA915948835.